The following is an entry in ClinVar:

ClinVar aggregate classification (germline): Uncertain significance. Review status: criteria provided, multiple submitters, no conflicts (2 of 4 stars). 3 submissions from 3 submitters: Uncertain significance (3). Last evaluated 2024-12-25.

Conditions:
Inborn genetic diseases. Identifiers: MedGen C0950123, MeSH D030342.
Spastic paraplegia. Identifiers: MedGen C0037772, HP:0001258.

Allele frequency attached by ClinVar (database versions not stated): gnomAD 0.00001; TOPMed 0.00002.
gnomAD v4.1: 22 of 1,614,000 alleles (0.0014%); highest among the groups gnomAD compares: Middle Eastern, 0.033%; no homozygotes.

Submissions (3):

Ambry Genetics
Classification: Uncertain significance for Inborn genetic diseases. Last evaluated: 2024-12-25. Review status: criteria provided, single submitter. Criteria: Ambry Variant Classification Scheme 2023. Collection method: clinical testing. Allele origin: germline.

Labcorp Genetics (formerly Invitae), Labcorp
Classification: Uncertain significance for Spastic paraplegia. Last evaluated: 2021-09-01. Review status: criteria provided, single submitter. Criteria: Invitae Variant Classification Sherloc (09022015). Collection method: clinical testing. Allele origin: germline.
Comment: This sequence change replaces isoleucine with valine at codon 925 of the ZFYVE26 protein (p.Ile925Val). The isoleucine residue is highly conserved and there is a small physicochemical difference between isoleucine and valine. This variant is present in population databases (rs776812324, ExAC 0.002%). This variant has not been reported in the literature in individuals affected with ZFYVE26-related conditions. ClinVar contains an entry for this variant (Variation ID: 448888). Algorithms developed to predict the effect of missense changes on protein structure and function are either unavailable or do not agree on the potential impact of this missense change (SIFT: "Deleterious"; PolyPhen-2: "Probably Damaging"; Align-GVGD: "Class C0"). In summary, the available evidence is currently insufficient to determine the role of this variant in disease. Therefore, it has been classified as a Variant of Uncertain Significance.

Athena Diagnostics
Classification: Uncertain significance. Last evaluated: 2017-01-20. Review status: criteria provided, single submitter. Criteria: Athena Diagnostics Criteria. Collection method: clinical testing. Allele origin: germline.

NM_015346.4(ZFYVE26):c.2773A>G (p.Ile925Val)

Gene: ZFYVE26 (zinc finger FYVE-type containing 26; minus strand). Cytogenetic location: 14q24.1.
Variant type: single nucleotide variant.
Coding change: c.2773A>G on transcript NM_015346.4 (MANE Select); coding-DNA position 2773, A replaced by G.
Protein change: p.Ile925Val; replaces isoleucine 925 with valine.
Molecular consequence: missense variant.
Genome position (GRCh38, 1-based): chr14:67,789,581, T>C on the plus strand (A>G on the coding strand, the complement: ZFYVE26 is on the minus strand). VCF-style: chr14-67789581-T-C. GRCh37 (hg19) VCF-style: chr14-68256298-T-C.
Other names: short protein forms I925V.
Identifiers: ClinVar variation 448888 (VCV000448888.5), dbSNP rs776812324, ClinGen allele CA7240171.
Genomic context (GRCh38, chr14:67,789,581, plus strand): 5'-CCTGGAGCATGGGGATGGGGTCTCCAGAGGTGTTGAGCAGCTTGTCAGTCACGTCAGAGA[T>C]AGAGTAAAACACCATTCCTGGCCGCCCAGCAGAGGAATAAAAAGCAAAGGGTTAAAAGGA-3'
Protein context (NP_056161.2, residues 915-935): AAAAGMVFYS[Ile925Val]SDVTDKLLNT